The following is an entry in ClinVar:

ClinVar aggregate classification (germline): Uncertain significance (1 of 4 stars; one submission).

Submission:

Women's Health and Genetics/Laboratory Corporation of America, LabCorp
Classification: Uncertain significance. Last evaluated: 2024-12-19. Review status: criteria provided, single submitter. Criteria: LabCorp Variant Classification Summary - May 2015. Collection method: clinical testing. Allele origin: germline.
Comment: Variant summary: RERE c.4411C>A (p.Pro1471Thr) results in a non-conservative amino acid change in the encoded protein sequence. Four of five in-silico tools predict a damaging effect of the variant on protein function. The variant was absent in 168268 control chromosomes. The available data on variant occurrences in the general population are insufficient to allow any conclusion about variant significance. To our knowledge, no occurrence of c.4411C>A in individuals affected with Neurodevelopmental Disorder With Or Without Anomalies Of The Brain, Eye, Or Heart and no experimental evidence demonstrating its impact on protein function have been reported. No submitters have cited clinical-significance assessments for this variant to ClinVar. Based on the evidence outlined above, the variant was classified as uncertain significance.

NM_001042681.2(RERE):c.4411C>A (p.Pro1471Thr)

Gene: RERE (arginine-glutamic acid dipeptide repeats; minus strand). Cytogenetic location: 1p36.23.
Variant type: single nucleotide variant.
Coding change: c.4411C>A on transcript NM_001042681.2 (MANE Select); coding-DNA position 4411, C replaced by A.
Protein change: p.Pro1471Thr; replaces proline 1471 with threonine.
Molecular consequence: missense variant.
Genome position (GRCh38, 1-based): chr1:8,356,175, G>T on the plus strand (C>A on the coding strand, the complement: RERE is on the minus strand). VCF-style: chr1-8356175-G-T. GRCh37 (hg19) VCF-style: chr1-8416235-G-T.
Other names: c.2749C>A, p.Pro917Thr (NM_001042682.2); c.4411C>A, p.Pro1471Thr (NM_012102.4); short protein forms P1471T, P917T.
Identifiers: ClinVar variation 3768515 (VCV003768515.1).